The following is an entry in ClinVar:

NM_000051.4(ATM):c.3756_3757dup (p.Lys1253fs)

Gene: ATM (ATM serine/threonine kinase; plus strand). Cytogenetic location: 11q22.3.
Variant type: Microsatellite.
Coding change: c.3756_3757dup on transcript NM_000051.4 (MANE Select); coding-DNA positions 3756 to 3757, 2 bases duplicated (TA; older notation c.3756_3757dupTA).
Protein change: p.Lys1253fs; shifts the reading frame from lysine 1253.
Molecular consequence: frameshift variant.
Genome position (GRCh38, 1-based): chr11:108,284,236-108,284,237, TA duplicated; duplicating any 2 consecutive bases within chr11:108,284,234-108,284,237 gives the same sequence; the c. name uses the placement nearest the transcript's 3' end. VCF-style (leftmost placement, unchanged base first): chr11-108284233-T-TTA. GRCh37 (hg19) VCF-style: chr11-108154960-T-TTA.
Other names: c.3756_3757dup, p.Lys1253fs (NM_001351834.2); c.3756_3757dup (NM_000051.3); short protein forms K1253fs.
Identifiers: ClinVar variation 453492 (VCV000453492.17), dbSNP rs1555093289, ClinGen allele CA658656248.

ClinVar aggregate classification (germline): Pathogenic/Likely pathogenic. Review status: criteria provided, multiple submitters, no conflicts (2 of 4 stars). 6 submissions from 6 submitters: Pathogenic (5); Likely pathogenic (1). Last evaluated 2025-11-11.

Conditions:
Hereditary cancer-predisposing syndrome. Also called: Tumor predisposition; Hereditary Cancer Syndrome; Neoplastic Syndromes, Hereditary; Hereditary neoplastic syndrome. Identifiers: Orphanet 140162, MedGen C0027672, MeSH D009386, MONDO:0015356.
Familial cancer of breast. Also called: Hereditary breast cancer; hereditary breast carcinoma; BREAST CANCER, FAMILIAL. Identifiers: Orphanet 227535, MedGen C0346153, MONDO:0016419, OMIM 114480. Disease mechanism: loss of function.
Ataxia-telangiectasia syndrome (AT). Also called: Cerebello-oculocutaneous telangiectasia; Immunodeficiency with ataxia telangiectasia; Ataxia-telangiectasia, complementation group D; AT, COMPLEMENTATION GROUP C; Ataxia-telangiectasia, complementation group E; LOUIS-BAR SYNDROME. Identifiers: Orphanet 100, MedGen C0004135, MONDO:0008840, OMIM 208900.

Submissions (6):

Labcorp Genetics (formerly Invitae), Labcorp
Classification: Pathogenic for Ataxia-telangiectasia syndrome. Last evaluated: 2025-11-11. Review status: criteria provided, single submitter. Criteria: Invitae Variant Classification Sherloc (09022015). Collection method: clinical testing. Allele origin: germline.
Comment: This sequence change creates a premature translational stop signal (p.Lys1253Ilefs*4) in the ATM gene. It is expected to result in an absent or disrupted protein product. Loss-of-function variants in ATM are known to be pathogenic (PMID: 23807571, 25614872). This variant is not present in population databases (gnomAD no frequency). This variant has not been reported in the literature in individuals affected with ATM-related conditions. ClinVar contains an entry for this variant (Variation ID: 453492). For these reasons, this variant has been classified as Pathogenic.

Victorian Clinical Genetics Services, Murdoch Childrens Research Institute
Classification: Pathogenic for Familial cancer of breast. Last evaluated: 2024-09-19. Review status: criteria provided, single submitter. Criteria: ACMG Guidelines, 2015. Collection method: clinical testing. Allele origin: germline. Inheritance: Autosomal dominant inheritance.
Comment: Based on the classification scheme VCGS_Germline_v1.3.4, this variant is classified as Pathogenic. Following criteria are met: 0102 - Loss of function is a known mechanism of disease in this gene and is associated with ataxia-telangiectasia (MIM#208900) and susceptibility to breast cancer (MIM#114480). (I) 0108 - This gene is associated with both recessive and dominant disease. Biallelic variants in this gene result in ataxia-telangiectasia; however, heterozygous carriers of specific pathogenic variants have an increased risk of breast cancer (PMID: 27595995). Germline variants in this gene may also contribute to increased risk of other cancers including gastric, colorectal, and pancreatic cancers, however the risk is not well-established at this stage (PMID: 22585167, 27978560, 26506520). (I) 0115 - Variants in this gene are known to have variable expressivity with regard to ataxia-telangiectasia. Variable age of onset and rate of disease progression have been reported for affected individuals within the same family (PMID: 20301790, 27884168). (I) 0201 - Variant is predicted to cause nonsense-mediated decay (NMD) and loss of protein (premature termination codon is located at least 54 nucleotides upstream of the final exon-exon junction). (SP) 0251 - This variant is heterozygous. (I) 0301 - Variant is absent from gnomAD (both v2 and v3). (SP) 0701 - Many other NMD-predicted variants comparable to the one identified in this case have very strong previous evidence for pathogenicity (DECIPHER). (SP) 0802 - This variant has moderate previous evidence of pathogenicity in unrelated individuals. This variant has been reported as a germline variant in an individual with a confirmed or suspected diagnosis of high-grade serous ovarian carcinoma (PMID: 32242007). This variant has also been classified as pathogenic by multiple clinical laboratories in ClinVar. (SP) 0905 - No published segregation evidence has been identified for this variant. (I) 1007 - No published functional evidence has been identified for this variant. (I) Legend: (SP) - Supporting pathogenic, (I) - Information, (SB) - Supporting benign

Myriad Genetics, Inc.
Classification: Pathogenic for Familial cancer of breast. Last evaluated: 2024-01-23. Review status: criteria provided, single submitter. Criteria: Myriad Autosomal Dominant, Autosomal Recessive and X-Linked Classification Criteria (2023). Collection method: clinical testing. Allele origin: unknown.
Comment: This variant is considered pathogenic. This variant creates a frameshift predicted to result in premature protein truncation.

Baylor Genetics
Classification: Likely pathogenic for Familial cancer of breast. Last evaluated: 2022-11-09. Review status: criteria provided, single submitter. Criteria: ACMG Guidelines, 2015. Collection method: clinical testing. Allele origin: unknown.

Ambry Genetics
Classification: Pathogenic for Hereditary cancer-predisposing syndrome. Last evaluated: 2022-11-04. Review status: criteria provided, single submitter. Criteria: Ambry Variant Classification Scheme 2023. Collection method: clinical testing. Allele origin: germline.
Comment: The c.3756_3757dupTA pathogenic mutation, located in coding exon 25 of the ATM gene, results from a duplication of TA at nucleotide position 3756, causing a translational frameshift with a predicted alternate stop codon (p.K1253Ifs*4). This alteration is expected to result in loss of function by premature protein truncation or nonsense-mediated mRNA decay. As such, this alteration is interpreted as a disease-causing mutation.

Color Diagnostics, LLC DBA Color Health
Classification: Pathogenic for Hereditary cancer-predisposing syndrome. Last evaluated: 2020-01-15. Review status: criteria provided, single submitter. Criteria: ACMG Guidelines, 2015. Collection method: clinical testing. Allele origin: germline.
Comment: This variant inserts 2 nucleotides in exon 26 of the ATM gene, creating a frameshift and premature translation stop signal. This variant is expected to result in an absent or non-functional protein product. This variant has not been identified in the general population by the Genome Aggregation Database (gnomAD). Loss of ATM function is a known mechanism of disease. Based on the available evidence, this variant is classified as Pathogenic.

Literature cited by the submitters: PubMed 23807571 (cited by Labcorp Genetics (formerly Invitae), Labcorp); PubMed 25614872 (cited by Labcorp Genetics (formerly Invitae), Labcorp); PubMed 20301790 (cited by Victorian Clinical Genetics Services, Murdoch Childrens Research Institute); PubMed 22585167 (cited by Victorian Clinical Genetics Services, Murdoch Childrens Research Institute); PubMed 26506520 (cited by Victorian Clinical Genetics Services, Murdoch Childrens Research Institute); PubMed 27595995 (cited by Victorian Clinical Genetics Services, Murdoch Childrens Research Institute); PubMed 27884168 (cited by Victorian Clinical Genetics Services, Murdoch Childrens Research Institute); PubMed 27978560 (cited by Victorian Clinical Genetics Services, Murdoch Childrens Research Institute); PubMed 32242007 (cited by Victorian Clinical Genetics Services, Murdoch Childrens Research Institute).